The following is an entry in ClinVar:

NM_021942.6(TRAPPC11):c.713A>C (p.Gln238Pro)

Gene: TRAPPC11 (trafficking protein particle complex subunit 11; plus strand). Cytogenetic location: 4q35.1.
Variant type: single nucleotide variant.
Coding change: c.713A>C on transcript NM_021942.6 (MANE Select); coding-DNA position 713, A replaced by C.
Protein change: p.Gln238Pro; replaces glutamine 238 with proline.
Molecular consequence: missense variant.
Genome position (GRCh38, 1-based): chr4:183,675,216, A>C. VCF-style: chr4-183675216-A-C. GRCh37 (hg19) VCF-style: chr4-184596369-A-C.
Other names: c.713A>C, p.Gln238Pro (NM_199053.3); short protein forms Q238P.
Identifiers: ClinVar variation 1359626 (VCV001359626.8), dbSNP rs1290042302, ClinGen allele CA358861550.

ClinVar aggregate classification (germline): Uncertain significance (1 of 4 stars; one submission).

Conditions:
Autosomal recessive limb-girdle muscular dystrophy type R18 (LGMDR18). Also called: MUSCULAR DYSTROPHY, LIMB-GIRDLE, AUTOSOMAL RECESSIVE 18; Autosomal recessive limb-girdle muscular dystrophy type 2S; Limb-girdle muscular dystrophy, type 2S. Identifiers: Orphanet 369840, MedGen C4517996, MONDO:0014144, OMIM 615356.

Allele frequency attached by ClinVar (database versions not stated): gnomAD exomes below 0.00001.
gnomAD v4.1: 2 of 1,543,380 alleles (0.00013%); highest among the groups gnomAD compares: East Asian, 0.0046%; no homozygotes.

Submission:

Labcorp Genetics (formerly Invitae), Labcorp
Classification: Uncertain significance for Autosomal recessive limb-girdle muscular dystrophy type R18. Last evaluated: 2021-06-02. Review status: criteria provided, single submitter. Criteria: Invitae Variant Classification Sherloc (09022015). Collection method: clinical testing. Allele origin: germline.
Comment: Algorithms developed to predict the effect of missense changes on protein structure and function are either unavailable or do not agree on the potential impact of this missense change (SIFT: "Deleterious"; PolyPhen-2: "Benign"; Align-GVGD: "Class C65"). In summary, the available evidence is currently insufficient to determine the role of this variant in disease. Therefore, it has been classified as a Variant of Uncertain Significance. This variant has not been reported in the literature in individuals with TRAPPC11-related conditions. This sequence change replaces glutamine with proline at codon 238 of the TRAPPC11 protein (p.Gln238Pro). The glutamine residue is highly conserved and there is a moderate physicochemical difference between glutamine and proline. This variant is not present in population databases (ExAC no frequency).